The following is an entry in ClinVar:

ClinVar aggregate classification (germline): Conflicting classifications of pathogenicity. Review status: criteria provided, conflicting classifications (1 of 4 stars). 2 submissions from 2 submitters: Uncertain significance (1); Likely benign (1). Last evaluated 2026-07-09.

Conditions:
Neurofibromatosis, type 1 (NF1). Also called: VON RECKLINGHAUSEN DISEASE; Peripheral type neurofibromatosis; Neurofibromatosis, type I; NEUROFIBROMATOSIS, TYPE I, SOMATIC. Identifiers: Orphanet 636, MedGen C0027831, MONDO:0018975, OMIM 162200. Disease mechanism: loss of function.
Cardiovascular phenotype. Identifiers: MedGen CN230736.
Hereditary cancer-predisposing syndrome. Also called: Hereditary Cancer Syndrome; Hereditary neoplastic syndrome; Neoplastic Syndromes, Hereditary; Tumor predisposition. Identifiers: Orphanet 140162, MedGen C0027672, MeSH D009386, MONDO:0015356.

Submissions (2):

Ambry Genetics
Classification: Likely benign for Cardiovascular phenotype; Hereditary cancer-predisposing syndrome. Last evaluated: 2026-07-09. Review status: criteria provided, single submitter. Criteria: Ambry Variant Classification Scheme 2023. Collection method: clinical testing. Allele origin: germline.

Labcorp Genetics (formerly Invitae), Labcorp
Classification: Uncertain significance for Neurofibromatosis, type 1. Last evaluated: 2023-02-08. Review status: criteria provided, single submitter. Criteria: Invitae Variant Classification Sherloc (09022015). Collection method: clinical testing. Allele origin: germline.
Comment: In summary, the available evidence is currently insufficient to determine the role of this variant in disease. Therefore, it has been classified as a Variant of Uncertain Significance. Advanced modeling of protein sequence and biophysical properties (such as structural, functional, and spatial information, amino acid conservation, physicochemical variation, residue mobility, and thermodynamic stability) performed at Invitae indicates that this missense variant is not expected to disrupt NF1 protein function. ClinVar contains an entry for this variant (Variation ID: 1758329). This variant has not been reported in the literature in individuals affected with NF1-related conditions. This variant is not present in population databases (gnomAD no frequency). This sequence change replaces leucine, which is neutral and non-polar, with phenylalanine, which is neutral and non-polar, at codon 2442 of the NF1 protein (p.Leu2442Phe).

NM_001042492.3(NF1):c.7387C>T (p.Leu2463Phe)

Gene: NF1 (neurofibromin 1; plus strand). Cytogenetic location: 17q11.2.
Variant type: single nucleotide variant.
Coding change: c.7387C>T on transcript NM_001042492.3 (MANE Select); coding-DNA position 7387, C replaced by T.
Protein change: p.Leu2463Phe; replaces leucine 2463 with phenylalanine.
Molecular consequence: missense variant.
Genome position (GRCh38, 1-based): chr17:31,350,248, C>T. VCF-style: chr17-31350248-C-T. GRCh37 (hg19) VCF-style: chr17-29677266-C-T.
Other names: c.7324C>T, p.Leu2442Phe (NM_000267.4); short protein forms L2442F, L2463F.
Identifiers: ClinVar variation 1758329 (VCV001758329.6), dbSNP rs2070105859, ClinGen allele CA399017081.